The following is an entry in ClinVar:

ClinVar aggregate classification (germline): Uncertain significance (1 of 4 stars; one submission).

Conditions:
Inborn genetic diseases. Identifiers: MedGen C0950123, MeSH D030342.

Allele frequency attached by ClinVar (database versions not stated): TOPMed 0.00006; gnomAD 0.00001; gnomAD exomes 0.00001.
gnomAD v4.1: 8 of 1,609,312 alleles (0.0005%); highest among the groups gnomAD compares: Admixed American, 0.0067%; no homozygotes.

Submission:

Ambry Genetics
Classification: Uncertain significance for Inborn genetic diseases. Last evaluated: 2026-03-31. Review status: criteria provided, single submitter. Criteria: Ambry Variant Classification Scheme 2023. Collection method: clinical testing. Allele origin: germline.
Comment: The c.1516C>A (p.P506T) alteration is located in exon 15 (coding exon 15) of the BRF1 gene. This alteration results from a C to A substitution at nucleotide position 1516, causing the proline (P) at amino acid position 506 to be replaced by a threonine (T). Based on data from gnomAD, the A allele has an overall frequency of 0.001% (2/250074) total alleles studied. The highest observed frequency was <0.001% (/) of alleles. Based on insufficient or conflicting evidence, the clinical significance of this alteration remains unclear.

NM_001519.4(BRF1):c.1516C>A (p.Pro506Thr)

Gene: BRF1 (BRF1 general transcription factor IIIB subunit; minus strand). Cytogenetic location: 14q32.33.
Variant type: single nucleotide variant.
Coding change: c.1516C>A on transcript NM_001519.4 (MANE Select); coding-DNA position 1516, C replaced by A.
Protein change: p.Pro506Thr; replaces proline 506 with threonine.
Molecular consequence: missense variant.
Genome position (GRCh38, 1-based): chr14:105,217,800, G>T on the plus strand (C>A on the coding strand, the complement: BRF1 is on the minus strand). VCF-style: chr14-105217800-G-T. GRCh37 (hg19) VCF-style: chr14-105684137-G-T.
Other names: c.1435C>A, p.Pro479Thr (NM_001242788.2); c.802C>A, p.Pro268Thr (NM_001242789.2); c.904C>A, p.Pro302Thr (NM_145685.3); c.1237C>A, p.Pro413Thr (NM_001242786.2); c.1171C>A, p.Pro391Thr (NM_001242787.2); short protein forms P268T, P302T, P479T, P391T, P413T, P506T.
Identifiers: ClinVar variation 3135024 (VCV003135024.2), dbSNP rs1331981866, ClinGen allele CA391193935.